The following is an entry in ClinVar:

ClinVar aggregate classification (germline): Likely benign (0 of 4 stars; one submission).

Conditions:
PRPF4-related disorder. Also called: PRPF4-related condition.

Allele frequency attached by ClinVar (database versions not stated): 1000 Genomes Project 0.00060; 1000 Genomes Project 30x 0.00062; ESP Exome Variant Server 0.00110.
gnomAD v4.1: 2,488 of 1,550,452 alleles (0.16%); highest among the groups gnomAD compares: Non-Finnish European, 0.2%; 2 homozygotes.

Submission:

PreventionGenetics, part of Exact Sciences
Classification: Likely benign for PRPF4-related condition. Last evaluated: 2019-04-02. Review status: no assertion criteria provided. Collection method: clinical testing. Allele origin: germline.
Comment: This variant is classified as likely benign based on ACMG/AMP sequence variant interpretation guidelines (Richards et al. 2015 PMID: 25741868, with internal and published modifications).

NM_001244926.2(PRPF4):c.-72C>T

Gene: PRPF4 (pre-mRNA splicing tri-snRNP complex factor PRPF4; plus strand). Cytogenetic location: 9q32.
Variant type: single nucleotide variant.
Coding change: c.-72C>T on transcript NM_001244926.2 (MANE Select); 72 bases upstream of the start codon, C replaced by T.
Molecular consequence: 5 prime UTR variant. On other transcripts: non-coding transcript variant (2).
Genome position (GRCh38, 1-based): chr9:113,275,672, C>T. VCF-style: chr9-113275672-C-T. GRCh37 (hg19) VCF-style: chr9-116037952-C-T.
Other names: c.-837C>T (NM_001322266.2); c.-840C>T (NM_001322267.2); c.-72C>T (NM_004697.5).
Identifiers: ClinVar variation 3042380 (VCV003042380.2), dbSNP rs377499486, ClinGen allele CA198540128.